The following is an entry in ClinVar:

NM_001312673.2(PCYT1A):c.43A>T (p.Arg15Ter)

Gene: PCYT1A (phosphate cytidylyltransferase 1A, choline; minus strand). Cytogenetic location: 3q29.
Variant type: single nucleotide variant.
Coding change: c.43A>T on transcript NM_001312673.2 (MANE Select); coding-DNA position 43, A replaced by T.
Protein change: p.Arg15Ter; replaces arginine 15 with a stop codon.
Molecular consequence: nonsense.
Genome position (GRCh38, 1-based): chr3:196,270,489, T>A on the plus strand (A>T on the coding strand, the complement: PCYT1A is on the minus strand). VCF-style: chr3-196270489-T-A. GRCh37 (hg19) VCF-style: chr3-195997360-T-A.
Other names: c.43A>T, p.Arg15Ter (NM_005017.4); short protein forms R15*.
Identifiers: ClinVar variation 1460539 (VCV001460539.6), dbSNP rs2108777776, ClinGen allele CA355593902.

ClinVar aggregate classification (germline): Uncertain significance (1 of 4 stars; one submission).

Submission:

Labcorp Genetics (formerly Invitae), Labcorp
Classification: Uncertain significance. Last evaluated: 2024-02-24. Review status: criteria provided, single submitter. Criteria: Invitae Variant Classification Sherloc (09022015). Collection method: clinical testing. Allele origin: germline.
Comment: This sequence change creates a premature translational stop signal (p.Arg15*) in the PCYT1A gene. It is expected to result in an absent or disrupted protein product. However, the current clinical and genetic evidence is not sufficient to establish whether loss-of-function variants in PCYT1A cause disease. This variant is not present in population databases (gnomAD no frequency). This variant has not been reported in the literature in individuals affected with PCYT1A-related conditions. ClinVar contains an entry for this variant (Variation ID: 1460539). In summary, the available evidence is currently insufficient to determine the role of this variant in disease. Therefore, it has been classified as a Variant of Uncertain Significance.